The following is an entry in ClinVar:

NM_024408.4(NOTCH2):c.4151A>G (p.Gln1384Arg)

Gene: NOTCH2 (notch receptor 2; minus strand). Cytogenetic location: 1p12.
Variant type: single nucleotide variant.
Coding change: c.4151A>G on transcript NM_024408.4 (MANE Select); coding-DNA position 4151, A replaced by G.
Protein change: p.Gln1384Arg; replaces glutamine 1384 with arginine.
Molecular consequence: missense variant.
Genome position (GRCh38, 1-based): chr1:119,925,665, T>C on the plus strand (A>G on the coding strand, the complement: NOTCH2 is on the minus strand). VCF-style: chr1-119925665-T-C. GRCh37 (hg19) VCF-style: chr1-120468288-T-C.
Other names: short protein forms Q1384R.
Identifiers: ClinVar variation 3667413 (VCV003667413.2).
Genomic context (GRCh38, chr1:119,925,665, plus strand): 5'-GGGGCACACTGGCAGGAGTAATAAGGAGGCTGGCGCTGAGGGTGGCAGCTGCCCCCGTGC[T>C]GGCAGGGGCTACTGGCACAGCCTGACTCGCAGTCCCGGGGACTGGGGCAGAAGCAGCGGG-3'
Protein context (NP_077719.2, residues 1374-1394): CESGCASSPC[Gln1384Arg]HGGSCHPQRQ

ClinVar aggregate classification (germline): Uncertain significance (1 of 4 stars; one submission).

Conditions:
Hajdu-Cheney syndrome (HJCYS). Also called: ACROOSTEOLYSIS WITH OSTEOPOROSIS AND CHANGES IN SKULL AND MANDIBLE; SERPENTINE FIBULA-POLYCYSTIC KIDNEY SYNDROME; Acroosteolysis dominant type. Identifiers: Orphanet 955, MedGen C0917715, MONDO:0007057, OMIM 102500.

gnomAD v4.1: 1 of 1,612,518 alleles (0.000062%); no homozygotes.

Submission:

Labcorp Genetics (formerly Invitae), Labcorp
Classification: Uncertain significance for Hajdu-Cheney syndrome. Last evaluated: 2024-10-13. Review status: criteria provided, single submitter. Criteria: Invitae Variant Classification Sherloc (09022015). Collection method: clinical testing. Allele origin: germline.
Comment: This sequence change replaces glutamine, which is neutral and polar, with arginine, which is basic and polar, at codon 1384 of the NOTCH2 protein (p.Gln1384Arg). This variant is present in population databases (no rsID available, gnomAD no frequency). This variant has not been reported in the literature in individuals affected with NOTCH2-related conditions. Invitae Evidence Modeling of protein sequence and biophysical properties (such as structural, functional, and spatial information, amino acid conservation, physicochemical variation, residue mobility, and thermodynamic stability) indicates that this missense variant is not expected to disrupt NOTCH2 protein function with a negative predictive value of 80%. In summary, the available evidence is currently insufficient to determine the role of this variant in disease. Therefore, it has been classified as a Variant of Uncertain Significance.